The following is an entry in ClinVar:

ClinVar aggregate classification (germline): Likely pathogenic. Review status: criteria provided, multiple submitters, no conflicts (2 of 4 stars). 2 submissions from 2 submitters: Likely pathogenic (2). Last evaluated 2026-07-01.

Conditions:
Glycogen storage disease, type II (IOPD). Also called: CARDIOMEGALIA GLYCOGENICA DIFFUSA; GLYCOGENOSIS, GENERALIZED, CARDIAC FORM; GSD II; Glycogen storage disease type 2; Acid maltase deficiency disease; Aglucosidase alfa. Identifiers: Orphanet 365, MedGen C0017921, MONDO:0009290, OMIM 232300.

Submissions (2):

Genomenon, Inc
Classification: Likely pathogenic for Glycogen storage disease, type II. Last evaluated: 2026-07-01. Review status: criteria provided, single submitter. Criteria: Genomenon Sequence Variant Interpretation Standards - Updated. Collection method: curation. Allele origin: germline. Affected: yes.
Comment: GAA c.1075+2T>C is a canonical splice variant affecting the donor splice site of intron 6. It is predicted to affect mRNA splicing, leading to a deleterious effect on the GAA protein. This variant has been observed in at least one proband with a GAA-related disorder in the compound heterozygous and/or homozygous state (PMID:34828739). It is absent or not present at a significant frequency in gnomAD. In conclusion, we classify GAA c.1075+2T>C as a likely pathogenic variant.

Baylor Genetics
Classification: Likely pathogenic for Glycogen storage disease, type II. Last evaluated: 2023-05-21. Review status: criteria provided, single submitter. Criteria: ACMG Guidelines, 2015. Collection method: clinical testing. Allele origin: unknown.

Literature cited by the submitters: PubMed 34828739 (cited by Genomenon, Inc).

NM_000152.5(GAA):c.1075+2T>C

Gene: GAA (alpha glucosidase; plus strand). Cytogenetic location: 17q25.3.
Variant type: single nucleotide variant.
Coding change: c.1075+2T>C on transcript NM_000152.5 (MANE Select); the canonical splice donor site of the intron after coding-DNA position 1075, T replaced by C.
Molecular consequence: splice donor variant.
Genome position (GRCh38, 1-based): chr17:80,108,411, T>C. VCF-style: chr17-80108411-T-C. GRCh37 (hg19) VCF-style: chr17-78082210-T-C.
Other names: c.1075+2T>C (NM_001406741.1, NM_001406742.1, NM_001079803.3 and 1 more transcripts).
Identifiers: ClinVar variation 2675773 (VCV002675773.2), dbSNP rs2143853890, ClinGen allele CA401364846.